The following is an entry in ClinVar:

NM_017739.4(POMGNT1):c.1738C>T (p.Arg580Ter)

Genes: POMGNT1 (protein O-linked mannose N-acetylglucosaminyltransferase 1 (beta 1,2-); minus strand), TSPAN1 (tetraspanin 1; plus strand). Cytogenetic location: 1p34.1.
Variant type: single nucleotide variant.
Coding change: c.1738C>T on transcript NM_017739.4 (MANE Select); coding-DNA position 1738, C replaced by T.
Protein change: p.Arg580Ter; replaces arginine 580 with a stop codon.
Molecular consequence: nonsense.
Genome position (GRCh38, 1-based): chr1:46,189,901, G>A on the plus strand (C>T on the coding strand, the complement: POMGNT1 is on the minus strand). VCF-style: chr1-46189901-G-A. GRCh37 (hg19) VCF-style: chr1-46655573-G-A.
Other names: NM_017739.4(POMGNT1):c.1738C>T; p.Arg580Ter; c.1738C>T, p.Arg580Ter (NM_001243766.2, NM_001410783.1); c.1672C>T, p.Arg558Ter (NM_001290129.3); c.1309C>T, p.Arg437Ter (NM_001290130.2); short protein forms R580*, R437*, R558*.
Identifiers: ClinVar variation 56586 (VCV000056586.21), dbSNP rs386834018, ClinGen allele CA263951.

ClinVar aggregate classification (germline): Pathogenic. Review status: criteria provided, multiple submitters, no conflicts (2 of 4 stars). 8 submissions from 8 submitters: Pathogenic (6). 2 of the submissions do not count toward it. Last evaluated 2025-10-29.

Conditions:
Autosomal recessive limb-girdle muscular dystrophy type 2O. Also called: MUSCULAR DYSTROPHY-DYSTROGLYCANOPATHY (LIMB-GIRDLE), TYPE C, 3; MUSCULAR DYSTROPHY-DYSTROGLYCANOPATHY, LIMB-GIRDLE, POMGNT1-RELATED; Limb-Girdle Muscular Dystrophy Type 3C. Identifiers: Orphanet 206564, MedGen C3150417, MONDO:0013161, OMIM 613157.
Muscular dystrophy-dystroglycanopathy (congenital with impaired intellectual development), type B, 3. Also called: Muscular dystrophy-dystroglycanopathy (congenital with intellectual disability), type B3; MUSCULAR DYSTROPHY, CONGENITAL, POMGNT1-RELATED. Identifiers: MedGen C3150412, MONDO:0013155, OMIM 613151.
Muscular dystrophy-dystroglycanopathy. Also called: Congenital muscular dystrophy due to dystroglycanopathy. Identifiers: Orphanet 370953, MedGen C5679911, MONDO:0018276.
POMGNT1-related disorder. Also called: POMGNT1-related condition; POMGNT1-related disorders. Identifiers: MedGen CN239299.
Muscular dystrophy-dystroglycanopathy (congenital with brain and eye anomalies), type A3. Also called: Muscular dystrophy-dystroglycanopathy (congenital with brain and eye anomalies), type A, 3; Congenital muscular dystrophy-dystroglycanopathy with brain and eye anomalies, type A3; WALKER-WARBURG SYNDROME OR MUSCLE-EYE-BRAIN DISEASE, POMGNT1-RELATED. Identifiers: MedGen C3151519, MONDO:0009667, OMIM 253280.
Muscle eye brain disease (MEB). Also called: Santavuori congenital muscular dystrophy. Identifiers: Orphanet 588, Orphanet 899, MedGen C0457133, MONDO:0018939.

Allele frequency attached by ClinVar (database versions not stated): ExAC 0.00001; gnomAD exomes 0.00001; TOPMed 0.00002.
gnomAD v4.1: 8 of 1,613,900 alleles (0.0005%); highest among the groups gnomAD compares: Admixed American, 0.0017%; no homozygotes.

Submissions (8):

Natera, Inc.
Classification: Pathogenic for Muscle-eye-brain disease. Last evaluated: 2025-10-29. Review status: criteria provided, single submitter. Criteria: Natera Variant Classification Schema (03/2026). Collection method: clinical testing. Allele origin: germline.
Comment: The c.1738C>T variant in POMGNT1 is a nonsense variant predicted to introduce a stop codon at amino acid 580. This variant is expected to result in nonsense mediated decay, truncation, or a dysfunctional protein product. This variant is rare in the general population with a frequency below the threshold expected for the associated phenotype(s). This variant has been observed in one or more individuals affected with the associated recessive disease, as either homozygous or compound heterozygous with a second variant (PMID: 17906881). Given the available evidence, this variant is classified as Pathogenic.

GeneDx
Classification: Pathogenic. Last evaluated: 2024-07-18. Review status: criteria provided, single submitter. Criteria: GeneDx Variant Classification Process June 2021. Collection method: clinical testing. Allele origin: germline. Affected: yes.
Comment: Nonsense variant predicted to result in protein truncation or nonsense mediated decay in a gene for which loss of function is a known mechanism of disease; Not observed at significant frequency in large population cohorts (gnomAD); This variant is associated with the following publications: (PMID: 25525159, 17906881, 26013959, 19067344, 21361872, 31980526, 31964843)

Baylor Genetics
Classification: Pathogenic for Muscular dystrophy-dystroglycanopathy (congenital with brain and eye anomalies), type A3. Last evaluated: 2024-03-16. Review status: criteria provided, single submitter. Criteria: ACMG Guidelines, 2015. Collection method: clinical testing. Allele origin: unknown.

Labcorp Genetics (formerly Invitae), Labcorp
Classification: Pathogenic for Autosomal recessive limb-girdle muscular dystrophy type 2O; Muscular dystrophy-dystroglycanopathy (congenital with impaired intellectual development), type B, 3. Last evaluated: 2024-02-24. Review status: criteria provided, single submitter. Criteria: Invitae Variant Classification Sherloc (09022015). Collection method: clinical testing. Allele origin: germline.
Comment: This sequence change creates a premature translational stop signal (p.Arg580*) in the POMGNT1 gene. It is expected to result in an absent or disrupted protein product. Loss-of-function variants in POMGNT1 are known to be pathogenic (PMID: 19299310, 20816175, 21447391, 26908613, 27391550). This variant is present in population databases (rs386834018, gnomAD 0.0009%). This premature translational stop signal has been observed in individuals with muscular dystrophy-dystroglycanopathy (PMID: 17906881, 19067344). ClinVar contains an entry for this variant (Variation ID: 56586). Algorithms developed to predict the effect of sequence changes on RNA splicing suggest that this variant may disrupt the consensus splice site. For these reasons, this variant has been classified as Pathogenic.

Broad Center for Mendelian Genomics, Broad Institute of MIT and Harvard
Classification: Pathogenic for Muscular dystrophy-dystroglycanopathy. Last evaluated: 2023-01-24. Review status: criteria provided, single submitter. Criteria: ACMG Guidelines, 2015. Collection method: curation. Allele origin: germline. Inheritance: Autosomal recessive inheritance.
Comment: The p.Arg580Ter variant in POMGNT1 has been reported in two individuals with muscular dystrophy-dystroglycanopathy (PMID: 17906881, 19067344), and has been identified in 0.0009% (1/113260) European (non-Finnish) chromosomes by the Genome Aggregation Database (gnomAD; dbSNP ID: rs386834018). Although this variant has been seen in the general population in a heterozygous state, its frequency is low enough to be consistent with a recessive carrier frequency. This variant has also been reported in ClinVar (Variation ID#:56586) and has been interpreted as pathogenic by Invitae, Natera, Inc, and Juha Muilu Group (Institute for Molecular Medicine Finland (FIMM)) and likely pathogenic by Counsyl. In vitro functional studies provide some evidence that the p.Arg580Ter variant may impact protein function, as reflected by reduced catalytic activity in an in vitro enzymatic activity assay (PMID: 21361872). However, these types of assays may not accurately represent biological function. This nonsense variant leads to a premature termination codon at position 580, which is predicted to lead to a truncated or absent protein. Loss of function of the POMGNT1 gene is an established disease mechanism in autosomal recessive POMGNT1-associated muscular dystrophy-dystroglycanopathy. In summary, this variant meets criteria to be classified as pathogenic for POMGNT1-associated muscular dystrophy-dystroglycanopathy. ACMG/AMP Criteria applied: PVS1, PM2_supporting, PS3_Supporting (Richards 2015).

Blueprint Genetics
Classification: Pathogenic for POMGNT1-related disorders. Last evaluated: 2022-10-26. Review status: criteria provided, single submitter. Criteria: ACMG Guidelines, 2015. Collection method: clinical testing. Allele origin: germline. Affected: yes. Observed: 3 variant alleles.

Counsyl
Classification: Likely pathogenic for Muscle eye brain disease. Last evaluated: 2014-03-12. Review status: no assertion criteria provided. Collection method: literature only. Allele origin: unknown. Inheritance: Autosomal recessive inheritance. Not counted in ClinVar's aggregate classification.

Juha Muilu Group; Institute for Molecular Medicine Finland (FIMM)
Classification: Likely pathogenic for Muscle eye brain disease. Review status: no assertion criteria provided. Collection method: not provided. Allele origin: unknown. Not counted in ClinVar's aggregate classification.
Comment: FinDis database variant: This variant was not found or characterized by our laboratory, data were collected from public sources: see reference
ClinVar note: Converted during submission from probable-pathogenic to Likely pathogenic.

Literature cited by the submitters: PubMed 17906881 (cited by 3 submitters); PubMed 19299310 (cited by Labcorp Genetics (formerly Invitae), Labcorp); PubMed 20816175 (cited by Labcorp Genetics (formerly Invitae), Labcorp); PubMed 21447391 (cited by Labcorp Genetics (formerly Invitae), Labcorp); PubMed 26908613 (cited by Labcorp Genetics (formerly Invitae), Labcorp); PubMed 27391550 (cited by Labcorp Genetics (formerly Invitae), Labcorp); PubMed 19067344 (cited by Labcorp Genetics (formerly Invitae), Labcorp and Counsyl); PubMed 21361872 (cited by Broad Center for Mendelian Genomics, Broad Institute of MIT and Harvard and Counsyl).